The following is an entry in ClinVar:

ClinVar aggregate classification (germline): Uncertain significance (1 of 4 stars; one submission).

Submission:

Dasa
Classification: Uncertain significance. Last evaluated: 2024-10-03. Review status: criteria provided, single submitter. Criteria: DASA Assertion Criteria. Collection method: clinical testing. Allele origin: germline.
Comment: NM_001127898.4(CLCN5):c.527A>G (p.Glu176Gly) is a missense variant that results in the substitution of glutamic acid with glycine. This variant is rare in population databases. Computational prediction algorithms are consistent with a benign effect. The currently available literature and clinical evidence are not sufficient to establish a definitive association between this variant and the reported condition. Therefore, this variant is classified as a variant of uncertain significance.

NM_001127898.4(CLCN5):c.527A>G (p.Glu176Gly)

Gene: CLCN5 (Cl-/H+ antiporter 5; plus strand). Cytogenetic location: Xp11.23.
Variant type: single nucleotide variant.
Coding change: c.527A>G on transcript NM_001127898.4 (MANE Select); coding-DNA position 527, A replaced by G.
Protein change: p.Glu176Gly; replaces glutamic acid 176 with glycine.
Molecular consequence: missense variant. On other transcripts: non-coding transcript variant (1).
Genome position (GRCh38, 1-based): chrX:50,075,906, A>G. VCF-style: chrX-50075906-A-G. GRCh37 (hg19) VCF-style: chrX-49840561-A-G.
Other names: c.317A>G, p.Glu106Gly (NM_000084.5); c.527A>G, p.Glu176Gly (NM_001127899.4); c.377A>G, p.Glu126Gly (NM_001282163.2); c.539A>G, p.Glu180Gly (NM_001440756.1, NM_001440757.1); short protein forms E106G, E126G, E176G, E180G.
Identifiers: ClinVar variation 4882239 (VCV004882239.2).